The following is an entry in ClinVar:

ClinVar aggregate classification (germline): Pathogenic (1 of 4 stars; one submission).

Conditions:
Cardiovascular phenotype. Identifiers: MedGen CN230736.

Submission:

Ambry Genetics
Classification: Pathogenic for Cardiovascular phenotype. Last evaluated: 2020-01-31. Review status: criteria provided, single submitter. Criteria: Ambry Variant Classification Scheme 2023. Collection method: clinical testing. Allele origin: germline.
Comment: The c.2397delC pathogenic mutation, located in coding exon 14 of the EPHB4 gene, results from a deletion of one nucleotide at nucleotide position 2397, causing a translational frameshift with a predicted alternate stop codon (p.A800Pfs*10). This alteration is expected to result in loss of function by premature protein truncation or nonsense-mediated mRNA decay. As such, this alteration is interpreted as a disease-causing mutation.

NM_004444.5(EPHB4):c.2397del (p.Ala800fs)

Genes: EPHB4 (EPH receptor B4; minus strand), LOC126860124 (CDK7 strongly-dependent group 2 enhancer GRCh37_chr7:100403701-100404900; plus strand). Cytogenetic location: 7q22.1.
Variant type: Deletion.
Coding change: c.2397del on transcript NM_004444.5 (MANE Select); coding-DNA position 2397, one base deleted (C; older notation c.2397delC).
Protein change: p.Ala800fs; shifts the reading frame from alanine 800.
Molecular consequence: frameshift variant.
Genome position (GRCh38, 1-based): chr7:100,806,507, G deleted on the plus strand (C on the coding strand, the reverse complement: EPHB4 is on the minus strand); the first of 2 consecutive G bases (chr7:100,806,507-100,806,508); deleting either gives the same sequence. VCF-style (leftmost placement, unchanged base first): chr7-100806506-CG-C. GRCh37 (hg19) VCF-style: chr7-100404128-CG-C.
Other names: short protein forms A800fs.
Identifiers: ClinVar variation 1790636 (VCV001790636.2), dbSNP rs2485000821, ClinGen allele CA2580075997.